The following is an entry in ClinVar:

ClinVar aggregate classification (germline): Uncertain significance. Review status: criteria provided, multiple submitters, no conflicts (2 of 4 stars). 2 submissions from 2 submitters: Uncertain significance (2). Last evaluated 2021-11-06.

Conditions:
Glycogen storage disease, type II (IOPD). Also called: Pompe Disease; GLYCOGENOSIS, GENERALIZED, CARDIAC FORM; GSD II; Glycogen storage disease type 2; Acid maltase deficiency disease; Aglucosidase alfa. Identifiers: Orphanet 365, MedGen C0017921, MONDO:0009290, OMIM 232300.

Allele frequency attached by ClinVar (database versions not stated): gnomAD exomes below 0.00001 and 0.00001.
gnomAD v4.1: 17 of 1,614,132 alleles (0.0011%); highest among the groups gnomAD compares: Non-Finnish European, 0.0014%; no homozygotes.

Submissions (2):

Labcorp Genetics (formerly Invitae), Labcorp
Classification: Uncertain significance for Glycogen storage disease, type II. Last evaluated: 2021-11-06. Review status: criteria provided, single submitter. Criteria: Invitae Variant Classification Sherloc (09022015). Collection method: clinical testing. Allele origin: germline.
Comment: This sequence change replaces glutamic acid, which is acidic and polar, with lysine, which is basic and polar, at codon 500 of the GAA protein (p.Glu500Lys). This variant is present in population databases (no rsID available, gnomAD 0.0009%). This variant has not been reported in the literature in individuals affected with GAA-related conditions. Advanced modeling of protein sequence and biophysical properties (such as structural, functional, and spatial information, amino acid conservation, physicochemical variation, residue mobility, and thermodynamic stability) performed at Invitae indicates that this missense variant is not expected to disrupt GAA protein function. In summary, the available evidence is currently insufficient to determine the role of this variant in disease. Therefore, it has been classified as a Variant of Uncertain Significance.

Fulgent Genetics
Classification: Uncertain significance for Glycogen storage disease, type II. Last evaluated: 2021-10-13. Review status: criteria provided, single submitter. Criteria: ACMG Guidelines, 2015. Collection method: clinical testing. Allele origin: unknown.

NM_000152.5(GAA):c.1498G>A (p.Glu500Lys)

Gene: GAA (alpha glucosidase; plus strand). Cytogenetic location: 17q25.3.
Variant type: single nucleotide variant.
Coding change: c.1498G>A on transcript NM_000152.5 (MANE Select); coding-DNA position 1498, G replaced by A.
Protein change: p.Glu500Lys; replaces glutamic acid 500 with lysine.
Molecular consequence: missense variant.
Genome position (GRCh38, 1-based): chr17:80,110,787, G>A. VCF-style: chr17-80110787-G-A. GRCh37 (hg19) VCF-style: chr17-78084586-G-A.
Other names: c.1498G>A, p.Glu500Lys (NM_001079803.3, NM_001079804.3); short protein forms E500K.
Identifiers: ClinVar variation 1371720 (VCV001371720.4), dbSNP rs1473805095, ClinGen allele CA401367013.